The following is an entry in ClinVar:

ClinVar aggregate classification (germline): Likely benign (0 of 4 stars; one submission).

Conditions:
CCNQ-related disorder. Also called: CCNQ-related condition.

Allele frequency attached by ClinVar (database versions not stated): gnomAD 0.00001; gnomAD exomes 0.00001; TOPMed 0.00001.

Submission:

PreventionGenetics, part of Exact Sciences
Classification: Likely benign for CCNQ-related condition. Last evaluated: 2022-09-28. Review status: no assertion criteria provided. Collection method: clinical testing. Allele origin: germline.
Comment: This variant is classified as likely benign based on ACMG/AMP sequence variant interpretation guidelines (Richards et al. 2015 PMID: 25741868, with internal and published modifications).

NM_152274.5(CCNQ):c.9C>T (p.Ala3=)

Genes: CCNQ (cyclin Q; minus strand), LOC130068825 (ATAC-STARR-seq lymphoblastoid silent region 21064; plus strand). Cytogenetic location: Xq28.
Variant type: single nucleotide variant.
Coding change: c.9C>T on transcript NM_152274.5 (MANE Select); coding-DNA position 9, C replaced by T.
Protein change: p.Ala3=; no amino-acid change (alanine 3 retained).
Molecular consequence: synonymous variant.
Genome position (GRCh38, 1-based): chrX:153,599,065, G>A on the plus strand (C>T on the coding strand, the complement: CCNQ is on the minus strand). VCF-style: chrX-153599065-G-A. GRCh37 (hg19) VCF-style: chrX-152864521-G-A.
Other names: c.9C>T, p.Ala3= (NM_001130997.3).
Identifiers: ClinVar variation 3047262 (VCV003047262.2), dbSNP rs1166475022, ClinGen allele CA873272741.